The following is an entry in ClinVar:

NM_052872.4(IL17F):c.388G>A (p.Val130Ile)

Gene: IL17F (interleukin 17F; minus strand). Cytogenetic location: 6p12.2.
Variant type: single nucleotide variant.
Coding change: c.388G>A on transcript NM_052872.4 (MANE Select); coding-DNA position 388, G replaced by A.
Protein change: p.Val130Ile; replaces valine 130 with isoleucine.
Molecular consequence: missense variant.
Genome position (GRCh38, 1-based): chr6:52,237,035, C>T on the plus strand (G>A on the coding strand, the complement: IL17F is on the minus strand). VCF-style: chr6-52237035-C-T. GRCh37 (hg19) VCF-style: chr6-52101833-C-T.
Other names: short protein forms V130I.
Identifiers: ClinVar variation 569602 (VCV000569602.15), dbSNP rs141798304, ClinGen allele CA3854362.

ClinVar aggregate classification (germline): Conflicting classifications of pathogenicity. Review status: criteria provided, conflicting classifications (1 of 4 stars). 2 submissions from 2 submitters: Uncertain significance (1); Likely benign (1). Last evaluated 2026-01-29.

Conditions:
Candidiasis, familial, 6 (CANDF6). Also called: Candidiasis, familial, 6, autosomal dominant. Identifiers: Orphanet 1334, MedGen C3151405, MONDO:0013503, OMIM 613956.

Allele frequency attached by ClinVar (database versions not stated): ExAC 0.00012; TOPMed 0.00019; ESP Exome Variant Server 0.00038.
gnomAD v4.1: 680 of 1,614,116 alleles (0.042%); highest among the groups gnomAD compares: Non-Finnish European, 0.053%; no homozygotes.

Submissions (2):

Labcorp Genetics (formerly Invitae), Labcorp
Classification: Uncertain significance for Candidiasis, familial, 6. Last evaluated: 2026-01-29. Review status: criteria provided, single submitter. Criteria: Invitae Variant Classification Sherloc (09022015). Collection method: clinical testing. Allele origin: germline.
Comment: This sequence change replaces valine, which is neutral and non-polar, with isoleucine, which is neutral and non-polar, at codon 130 of the IL17F protein (p.Val130Ile). This variant is present in population databases (rs141798304, gnomAD 0.03%). This missense change has been observed in individual(s) with immune-related conditions (PMID: 35753512). ClinVar contains an entry for this variant (Variation ID: 569602). An algorithm developed to predict the effect of missense changes on protein structure and function (PolyPhen-2) suggests that this variant is likely to be tolerated. In summary, the available evidence is currently insufficient to determine the role of this variant in disease. Therefore, it has been classified as a Variant of Uncertain Significance.

CeGaT Center for Human Genetics Tuebingen
Classification: Likely benign. Last evaluated: 2025-11-01. Review status: criteria provided, single submitter. Criteria: CeGaT Center For Human Genetics Tuebingen Variant Classification Criteria Version 2. Collection method: clinical testing. Allele origin: germline. Affected: yes. Observed: 1 variant allele.
Comment: IL17F: BP4, BS2

Literature cited by the submitters: PubMed 35753512 (cited by Labcorp Genetics (formerly Invitae), Labcorp).